The following is an entry in ClinVar:

ClinVar aggregate classification (germline): Uncertain significance (0 of 4 stars; one submission).

Conditions:
EP300-related disorder. Also called: EP300-related condition; EP300-related disorders.

Allele frequency attached by ClinVar (database versions not stated): TOPMed below 0.00001.

Submission:

PreventionGenetics, part of Exact Sciences
Classification: Uncertain significance for EP300-related condition. Last evaluated: 2024-02-22. Review status: no assertion criteria provided. Collection method: clinical testing. Allele origin: germline.
Comment: The EP300 c.795T>G variant is predicted to result in the amino acid substitution p.Ile265Met. To our knowledge, this variant has not been reported in the literature or in a large population database, indicating this variant is rare. At this time, the clinical significance of this variant is uncertain due to the absence of conclusive functional and genetic evidence.

NM_001429.4(EP300):c.795T>G (p.Ile265Met)

Gene: EP300 (E1A binding protein p300; plus strand). Cytogenetic location: 22q13.2.
Variant type: single nucleotide variant.
Coding change: c.795T>G on transcript NM_001429.4 (MANE Select); coding-DNA position 795, T replaced by G.
Protein change: p.Ile265Met; replaces isoleucine 265 with methionine.
Molecular consequence: missense variant.
Genome position (GRCh38, 1-based): chr22:41,125,929, T>G. VCF-style: chr22-41125929-T-G. GRCh37 (hg19) VCF-style: chr22-41521933-T-G.
Other names: c.795T>G, p.Ile265Met (NM_001362843.2); short protein forms I265M.
Identifiers: ClinVar variation 2632110 (VCV002632110.3), dbSNP rs2058879664, ClinGen allele CA411683277.